The following is an entry in ClinVar:

NM_001148.6(ANK2):c.684G>A (p.Arg228=)

Gene: ANK2 (ankyrin 2; plus strand). Cytogenetic location: 4q26.
Variant type: single nucleotide variant.
Coding change: c.684G>A on transcript NM_001148.6 (MANE Select); coding-DNA position 684, G replaced by A.
Protein change: p.Arg228=; no amino-acid change (arginine 228 retained).
Molecular consequence: synonymous variant. On other transcripts: intron variant (24).
Genome position (GRCh38, 1-based): chr4:113,237,613, G>A. VCF-style: chr4-113237613-G-A. GRCh37 (hg19) VCF-style: chr4-114158769-G-A.
Other names: c.621G>A, p.Arg207= (NM_001127493.3, NM_001354239.2, NM_001354243.2 and 14 more transcripts); c.684G>A, p.Arg228= (NM_001354225.2, NM_001354228.2, NM_001354232.2 and 9 more transcripts); c.729G>A, p.Arg243= (NM_001354230.2, NM_001354231.2, NM_001354237.2 and 5 more transcripts); c.672G>A, p.Arg224= (NM_001354269.3, NM_001386148.2, NM_001386186.2); c.735G>A, p.Arg245= (NM_001386174.1); c.657+441G>A (NM_001386187.2); c.651+441G>A (NM_001386147.1, NM_001386160.1, NM_001354261.2); c.606+441G>A (NM_001354249.2, NM_001354266.2, NM_001354276.2 and 16 more transcripts); and 1 more.
Identifiers: ClinVar variation 377469 (VCV000377469.10), dbSNP rs376024223, ClinGen allele CA16605020.

ClinVar aggregate classification (germline): Likely benign. Review status: criteria provided, multiple submitters, no conflicts (2 of 4 stars). 3 submissions from 3 submitters: Likely benign (3). Last evaluated 2025-12-22.

Conditions:
Cardiovascular phenotype. Identifiers: MedGen CN230736.
Long QT syndrome (LQTS). Identifiers: MedGen C0023976, MeSH D008133, MONDO:0002442. Disease mechanism: loss of function. Inheritance: Various modes of inheritance.

Allele frequency attached by ClinVar (database versions not stated): gnomAD 0.00001; gnomAD exomes 0.00001; ESP Exome Variant Server 0.00008.
gnomAD v4.1: 13 of 1,609,324 alleles (0.00081%); highest among the groups gnomAD compares: Middle Eastern, 0.033%; no homozygotes.

Submissions (3):

Labcorp Genetics (formerly Invitae), Labcorp
Classification: Likely benign for Long QT syndrome. Last evaluated: 2025-12-22. Review status: criteria provided, single submitter. Criteria: Invitae Variant Classification Sherloc (09022015). Collection method: clinical testing. Allele origin: germline.

Ambry Genetics
Classification: Likely benign for Cardiovascular phenotype. Last evaluated: 2020-10-13. Review status: criteria provided, single submitter. Criteria: Ambry Variant Classification Scheme 2023. Collection method: clinical testing. Allele origin: germline.

GeneDx
Classification: Likely benign. Last evaluated: 2017-01-13. Review status: criteria provided, single submitter. Criteria: GeneDx Variant Classification (06012015). Collection method: clinical testing. Allele origin: germline. Affected: yes.
Comment: This variant is considered likely benign or benign based on one or more of the following criteria: it is a conservative change, it occurs at a poorly conserved position in the protein, it is predicted to be benign by multiple in silico algorithms, and/or has population frequency not consistent with disease.